The following is an entry in ClinVar:

ClinVar aggregate classification (germline): Uncertain significance (1 of 4 stars; one submission).

Submission:

Ambry Genetics
Classification: Uncertain significance. Last evaluated: 2025-11-25. Review status: criteria provided, single submitter. Criteria: Ambry Variant Classification Scheme 2023. Collection method: clinical testing. Allele origin: germline.
Comment: The p.E80D variant (also known as c.240A>T), located in coding exon 3 of the KIF1B gene, results from an A to T substitution at nucleotide position 240. The glutamic acid at codon 80 is replaced by aspartic acid, an amino acid with highly similar properties. This amino acid position is conserved. In addition, the in silico prediction for this alteration is inconclusive. Based on the available evidence, the clinical significance of this variant remains unclear.

NM_001365951.3(KIF1B):c.240A>T (p.Glu80Asp)

Gene: KIF1B (kinesin family member 1B; plus strand). Cytogenetic location: 1p36.22.
Variant type: single nucleotide variant.
Coding change: c.240A>T on transcript NM_001365951.3 (MANE Select); coding-DNA position 240, A replaced by T.
Protein change: p.Glu80Asp; replaces glutamic acid 80 with aspartic acid.
Molecular consequence: missense variant.
Genome position (GRCh38, 1-based): chr1:10,258,549, A>T. VCF-style: chr1-10258549-A-T. GRCh37 (hg19) VCF-style: chr1-10318607-A-T.
Other names: c.240A>T, p.Glu80Asp (NM_001365952.1, NM_001365953.1, NM_015074.3 and 1 more transcripts); short protein forms E80D.
Identifiers: ClinVar variation 4543681 (VCV004543681.1).
Genomic context (GRCh38, chr1:10,258,549, plus strand): 5'-ACAGCCCGAAGATCCCTGTTTTGCATCTCAAAACCGTGTGTACAATGACATTGGCAAGGA[A>T]ATGCTCTTACACGCCTTTGAGGGATATAATGTCTGTATTTTTGCCTATGGGCAGACTGGT-3'
Protein context (NP_001352880.1, residues 70-90): QNRVYNDIGK[Glu80Asp]MLLHAFEGYN